The following is an entry in ClinVar:

ClinVar aggregate classification (germline): Uncertain significance (1 of 4 stars; one submission).

Conditions:
Fanconi anemia (FA). Also called: Fanconi's anemia. Identifiers: Orphanet 84, MedGen C0015625, MeSH D005199, MONDO:0019391.

Submission:

Labcorp Genetics (formerly Invitae), Labcorp
Classification: Uncertain significance for Fanconi anemia. Last evaluated: 2025-11-11. Review status: criteria provided, single submitter. Criteria: Invitae Variant Classification Sherloc (09022015). Collection method: clinical testing. Allele origin: germline.
Comment: This sequence change replaces leucine, which is neutral and non-polar, with proline, which is neutral and non-polar, at codon 1473 of the SLX4 protein (p.Leu1473Pro). This variant is not present in population databases (gnomAD no frequency). This variant has not been reported in the literature in individuals affected with SLX4-related conditions. An algorithm developed to predict the effect of missense changes on protein structure and function outputs the following: PolyPhen-2: "Benign". The proline amino acid residue is found in multiple mammalian species, which suggests that this missense change does not adversely affect protein function. In summary, the available evidence is currently insufficient to determine the role of this variant in disease. Therefore, it has been classified as a Variant of Uncertain Significance.

NM_032444.4(SLX4):c.4418T>C (p.Leu1473Pro)

Gene: SLX4 (SLX4 structure-specific endonuclease subunit; minus strand). Cytogenetic location: 16p13.3.
Variant type: single nucleotide variant.
Coding change: c.4418T>C on transcript NM_032444.4 (MANE Select); coding-DNA position 4418, T replaced by C.
Protein change: p.Leu1473Pro; replaces leucine 1473 with proline.
Molecular consequence: missense variant.
Genome position (GRCh38, 1-based): chr16:3,589,220, A>G on the plus strand (T>C on the coding strand, the complement: SLX4 is on the minus strand). VCF-style: chr16-3589220-A-G. GRCh37 (hg19) VCF-style: chr16-3639221-A-G.
Other names: short protein forms L1473P.
Identifiers: ClinVar variation 4776272 (VCV004776272.1).